The following is an entry in ClinVar:

ClinVar aggregate classification (germline): Pathogenic (1 of 4 stars; one submission).

Conditions:
Colorectal cancer, hereditary nonpolyposis, type 7. Identifiers: Orphanet 144, MedGen C1858380, MONDO:0013725, OMIM 614385.

Submission:

Myriad Genetics, Inc.
Classification: Pathogenic for Colorectal cancer, hereditary nonpolyposis, type 7. Last evaluated: 2026-02-24. Review status: criteria provided, single submitter. Criteria: Myriad Autosomal Dominant, Autosomal Recessive and X-Linked Classification Criteria (2023). Collection method: clinical testing. Allele origin: unknown.
Comment: This variant is considered pathogenic. This variant creates a termination codon and is predicted to result in premature protein truncation.

NM_001040108.2(MLH3):c.483C>A (p.Cys161Ter)

Gene: MLH3 (mutL homolog 3; minus strand). Cytogenetic location: 14q24.3.
Variant type: single nucleotide variant.
Coding change: c.483C>A on transcript NM_001040108.2 (MANE Select); coding-DNA position 483, C replaced by A.
Protein change: p.Cys161Ter; replaces cysteine 161 with a stop codon.
Molecular consequence: nonsense.
Genome position (GRCh38, 1-based): chr14:75,049,173, G>T on the plus strand (C>A on the coding strand, the complement: MLH3 is on the minus strand). VCF-style: chr14-75049173-G-T. GRCh37 (hg19) VCF-style: chr14-75515876-G-T.
Other names: c.483C>A, p.Cys161Ter (NM_014381.3); short protein forms C161*.
Identifiers: ClinVar variation 4856750 (VCV004856750.1).